The following is an entry in ClinVar:

ClinVar aggregate classification (germline): Uncertain significance (1 of 4 stars; one submission).

gnomAD v4.1: 1 of 1,612,396 alleles (0.000062%); no homozygotes.

Submission:

Ambry Genetics
Classification: Uncertain significance. Last evaluated: 2022-11-05. Review status: criteria provided, single submitter. Criteria: Ambry Variant Classification Scheme 2023. Collection method: clinical testing. Allele origin: germline.
Comment: The p.G523R variant (also known as c.1567G>C), located in coding exon 12 of the RECQL gene, results from a G to C substitution at nucleotide position 1567. The glycine at codon 523 is replaced by arginine, an amino acid with dissimilar properties. This amino acid position is conserved. In addition, this alteration is predicted to be deleterious by in silico analysis. Since supporting evidence is limited at this time, the clinical significance of this alteration remains unclear.

NM_002907.4(RECQL):c.1567G>C (p.Gly523Arg)

Gene: RECQL (RecQ like helicase; minus strand). Cytogenetic location: 12p12.1.
Variant type: single nucleotide variant.
Coding change: c.1567G>C on transcript NM_002907.4 (MANE Select); coding-DNA position 1567, G replaced by C.
Protein change: p.Gly523Arg; replaces glycine 523 with arginine.
Molecular consequence: missense variant.
Genome position (GRCh38, 1-based): chr12:21,471,528, C>G on the plus strand (G>C on the coding strand, the complement: RECQL is on the minus strand). VCF-style: chr12-21471528-C-G. GRCh37 (hg19) VCF-style: chr12-21624462-C-G.
Other names: c.1567G>C, p.Gly523Arg (NM_032941.3); short protein forms G523R.
Identifiers: ClinVar variation 2450949 (VCV002450949.2), dbSNP rs1309429343, ClinGen allele CA384116130.